The following is an entry in ClinVar:

ClinVar aggregate classification (germline): Conflicting classifications of pathogenicity. Review status: criteria provided, conflicting classifications (1 of 4 stars). 9 submissions from 9 submitters: Uncertain significance (4); Likely benign (4). 1 of the submissions does not count toward it. Last evaluated 2026-07-01.

Conditions:
Immunodeficiency, common variable, 7. Identifiers: Orphanet 1572, Orphanet 696894, MedGen C3542922, MONDO:0013862, OMIM 614699.
Systemic lupus erythematosus, susceptibility to, 9. Also called: Systemic lupus erythematosus 9. Identifiers: MedGen C1970455, MONDO:0012584, OMIM 610927.
CR2-related disorder. Also called: CR2-related condition; CR2-related disorders.

Allele frequency attached by ClinVar (database versions not stated): 1000 Genomes Project 30x 0.00297; 1000 Genomes Project 0.00319; TOPMed 0.00385; ESP Exome Variant Server 0.00584.
gnomAD v4.1: 9,978 of 1,614,062 alleles (0.62%); highest among the groups gnomAD compares: South Asian, 0.8%; 48 homozygotes.

Submissions (9):

CeGaT Center for Human Genetics Tuebingen
Classification: Likely benign. Last evaluated: 2026-07-01. Review status: criteria provided, single submitter. Criteria: CeGaT Center For Human Genetics Tuebingen Variant Classification Criteria Version 2. Collection method: clinical testing. Allele origin: germline. Affected: yes. Observed: 18 variant alleles.
Comment: CR2: BP4

Labcorp Genetics (formerly Invitae), Labcorp
Classification: Likely benign for Immunodeficiency, common variable, 7. Last evaluated: 2026-02-01. Review status: criteria provided, single submitter. Criteria: Invitae Variant Classification Sherloc (09022015). Collection method: clinical testing. Allele origin: germline.

ARUP Laboratories, Molecular Genetics and Genomics, ARUP Laboratories
Classification: Likely benign. Last evaluated: 2025-04-11. Review status: criteria provided, single submitter. Criteria: ARUP Molecular Germline Variant Investigation Process 2024. Collection method: clinical testing. Allele origin: germline.

Women's Health and Genetics/Laboratory Corporation of America, LabCorp
Classification: Likely benign. Last evaluated: 2024-10-01. Review status: criteria provided, single submitter. Criteria: LabCorp Variant Classification Summary - May 2015. Collection method: clinical testing. Allele origin: germline.
Comment: Variant summary: CR2 c.524C>T (p.Pro175Leu) results in a non-conservative amino acid change in the encoded protein sequence. Three of five in-silico tools predict a benign effect of the variant on protein function. The variant allele was found at a frequency of 0.0043 in 251348 control chromosomes in the gnomAD database, including 6 homozygotes. The observed variant frequency exceeds the estimated maximal expected allele frequency for a pathogenic variant in CR2 causing Immunodeficiency, Common Variable, 7 phenotype. c.524C>T has been reported in the literature in unspecified individuals affected with Atypical hemolytic uremic syndrome, without strong evidence for causality (Bu_2014). These report(s) do not provide unequivocal conclusions about association of the variant with Immunodeficiency, Common Variable, 7. To our knowledge, no experimental evidence demonstrating an impact on protein function has been reported. The following publication has been ascertained in the context of this evaluation (PMID: 24029428). ClinVar contains an entry for this variant (Variation ID: 402563). Based on the evidence outlined above, the variant was classified as likely benign.

GeneDx
Classification: Uncertain significance. Last evaluated: 2023-08-26. Review status: criteria provided, single submitter. Criteria: GeneDx Variant Classification Process June 2021. Collection method: clinical testing. Allele origin: germline. Affected: yes.
Comment: Observed in one individual from a cohort of patients with atypical hemolytic uremic syndrome and this individual also possessed a variant in another gene (Bu et al., 2014); In silico analysis supports that this missense variant has a deleterious effect on protein structure/function; This variant is associated with the following publications: (PMID: 34426522, 24029428)

Mayo Clinic Laboratories, Mayo Clinic
Classification: Uncertain significance. Last evaluated: 2019-11-18. Review status: criteria provided, single submitter. Criteria: ACMG Guidelines, 2015. Collection method: clinical testing. Allele origin: germline. Observed: 1 variant allele.

Laboratory for Molecular Medicine, Mass General Brigham Personalized Medicine
Classification: Uncertain significance. Last evaluated: 2016-03-28. Review status: criteria provided, single submitter. Criteria: LMM Criteria. Collection method: clinical testing. Allele origin: germline.
Comment: Variant identified in a genome or exome case(s) and assessed due to predicted null impact of the variant or pathogenic assertions in the literature or databases. Disclaimer: This variant has not undergone full assessment. The following are preliminary notes: 0.7% in East asian in ExAC with 2 homozygotes and 0.58% in european with 1 homozygote. Reported in 1/36 patients with hemolytic syndrome who also carried a c.1160-2A>G variant in CFH (Bu 2014). However, even the association gene-disease is not that strong (moderate).

Center for Genomics, Ann and Robert H. Lurie Children's Hospital of Chicago
Classification: Uncertain significance for Systemic lupus erythematosus, susceptibility to, 9; Immunodeficiency, common variable, 7. Review status: criteria provided, single submitter. Criteria: ACMG Guidelines, 2015. Collection method: clinical testing. Allele origin: germline.
Comment: CR2 NM_001006658.2 exon 3 p.Pro175Leu (c.524C>T): This variant has been reported in the literature in 1 individual with atypical hemolytic uremic syndrome (aHUS) (Bu 2014 PMID:24029428). This variant is present in 0.6% (410/68028) of European alleles including 1 homozygote in the Genome Aggregation Database. This variant is present in ClinVar, with classifications ranging from Variant of Uncertain Significance to Likely Benign (Variation ID:402563). Evolutionary conservation and computational predictive tools suggest that this variant may not impact the protein. In summary, data on this variant is insufficient for disease classification. Therefore, the clinical significance of this variant is uncertain.

PreventionGenetics, part of Exact Sciences
Classification: Likely benign for CR2-related condition. Last evaluated: 2020-05-29. Review status: no assertion criteria provided. Collection method: clinical testing. Allele origin: germline. Not counted in ClinVar's aggregate classification.
Comment: This variant is classified as likely benign based on ACMG/AMP sequence variant interpretation guidelines (Richards et al. 2015 PMID: 25741868, with internal and published modifications).

Literature cited by the submitters: PubMed 24029428 (cited by Women's Health and Genetics/Laboratory Corporation of America, LabCorp).

NM_001006658.3(CR2):c.524C>T (p.Pro175Leu)

Gene: CR2 (complement C3d receptor 2; plus strand). Cytogenetic location: 1q32.2.
Variant type: single nucleotide variant.
Coding change: c.524C>T on transcript NM_001006658.3 (MANE Select); coding-DNA position 524, C replaced by T.
Protein change: p.Pro175Leu; replaces proline 175 with leucine.
Molecular consequence: missense variant.
Genome position (GRCh38, 1-based): chr1:207,468,605, C>T. VCF-style: chr1-207468605-C-T. GRCh37 (hg19) VCF-style: chr1-207641950-C-T.
Other names: c.524C>T, p.Pro175Leu (NM_001877.5); short protein forms P175L.
Identifiers: ClinVar variation 402563 (VCV000402563.73), dbSNP rs75282758, ClinGen allele CA1368456.
Genomic context (GRCh38, chr1:207,468,605, plus strand): 5'-CAGCACTTCCTATGATCCACAATGGACATCACACAAGTGAGAATGTTGGCTCCATTGCTC[C>T]AGGATTGTCTGTGACTTACAGCTGTGAATCTGGTTACTTGCTTGTTGGAGAAAAGATCAT-3'
Protein context (NP_001006659.1, residues 165-185): HTSENVGSIA[Pro175Leu]GLSVTYSCES